The following is an entry in ClinVar:

NM_000814.6(GABRB3):c.1330G>A (p.Asp444Asn)

Gene: GABRB3 (gamma-aminobutyric acid type A receptor subunit beta3; minus strand). Cytogenetic location: 15q12.
Variant type: single nucleotide variant.
Coding change: c.1330G>A on transcript NM_000814.6 (MANE Select); coding-DNA position 1330, G replaced by A.
Protein change: p.Asp444Asn; replaces aspartic acid 444 with asparagine.
Molecular consequence: missense variant.
Genome position (GRCh38, 1-based): chr15:26,547,885, C>T on the plus strand (G>A on the coding strand, the complement: GABRB3 is on the minus strand). VCF-style: chr15-26547885-C-T. GRCh37 (hg19) VCF-style: chr15-26793032-C-T.
Other names: c.1075G>A, p.Asp359Asn (NM_001191320.2, NM_001278631.2); c.1117G>A, p.Asp373Asn (NM_001191321.3); c.1330G>A, p.Asp444Asn (NM_021912.5); short protein forms D444N, D359N, D373N.
Identifiers: ClinVar variation 1438254 (VCV001438254.21), dbSNP rs766672883, ClinGen allele CA7437265.

ClinVar aggregate classification (germline): Uncertain significance. Review status: criteria provided, multiple submitters, no conflicts (2 of 4 stars). 2 submissions from 2 submitters: Uncertain significance (2). Last evaluated 2025-02-01.

Conditions:
Epilepsy, childhood absence, susceptibility to, 5. Identifiers: Orphanet 64280, MedGen C2677087, MONDO:0012843, OMIM 612269.
Epilepsy, childhood absence, susceptibility to, 1. Also called: Epilepsy, childhood absence 1. Identifiers: Orphanet 64280, MedGen C1838604, MONDO:0020759, OMIM 600131.

Allele frequency attached by ClinVar (database versions not stated): TOPMed below 0.00001; ExAC 0.00001; gnomAD exomes 0.00001 and 0.00002.
gnomAD v4.1: 29 of 1,614,118 alleles (0.0018%); highest among the groups gnomAD compares: South Asian, 0.0066%; no homozygotes.

Submissions (2):

CeGaT Center for Human Genetics Tuebingen
Classification: Uncertain significance. Last evaluated: 2025-02-01. Review status: criteria provided, single submitter. Criteria: CeGaT Center For Human Genetics Tuebingen Variant Classification Criteria Version 2. Collection method: clinical testing. Allele origin: germline. Affected: yes. Observed: 1 variant allele.
Comment: GABRB3: PP3

Labcorp Genetics (formerly Invitae), Labcorp
Classification: Uncertain significance for Epilepsy, childhood absence, susceptibility to, 5; Epilepsy, childhood absence, susceptibility to, 1. Last evaluated: 2023-04-23. Review status: criteria provided, single submitter. Criteria: Invitae Variant Classification Sherloc (09022015). Collection method: clinical testing. Allele origin: germline.
Comment: This sequence change replaces aspartic acid, which is acidic and polar, with asparagine, which is neutral and polar, at codon 444 of the GABRB3 protein (p.Asp444Asn). This variant is present in population databases (rs766672883, gnomAD 0.003%). This variant has not been reported in the literature in individuals affected with GABRB3-related conditions. ClinVar contains an entry for this variant (Variation ID: 1438254). Advanced modeling of protein sequence and biophysical properties (such as structural, functional, and spatial information, amino acid conservation, physicochemical variation, residue mobility, and thermodynamic stability) performed at Invitae indicates that this missense variant is not expected to disrupt GABRB3 protein function. In summary, the available evidence is currently insufficient to determine the role of this variant in disease. Therefore, it has been classified as a Variant of Uncertain Significance.